The following is an entry in ClinVar:

NM_031407.7(HUWE1):c.3438G>A (p.Arg1146=)

Gene: HUWE1 (HECT, UBA and WWE domain containing E3 ubiquitin protein ligase 1; minus strand). Cytogenetic location: Xp11.22.
Variant type: single nucleotide variant.
Coding change: c.3438G>A on transcript NM_031407.7 (MANE Select); coding-DNA position 3438, G replaced by A.
Protein change: p.Arg1146=; no amino-acid change (arginine 1146 retained).
Molecular consequence: synonymous variant.
Genome position (GRCh38, 1-based): chrX:53,594,564, C>T on the plus strand (G>A on the coding strand, the complement: HUWE1 is on the minus strand). VCF-style: chrX-53594564-C-T. GRCh37 (hg19) VCF-style: chrX-53621524-C-T.
Identifiers: ClinVar variation 3772619 (VCV003772619.13).
Genomic context (GRCh38, chrX:53,594,564, plus strand): 5'-AAGAGCATTGTGGCCTCCGGAGCAGAGAAATTTTTGCAGCATGAGGTGGTAGGGATACTT[C>T]CTCTCATCAAACAGCATTGGGGATGTGAAACCAACTGAACAGATGAAGAATGTCAGCCTG-3'
Protein context (NP_113584.3, residues 1136-1156): GFTSPMLFDE[Arg1146=]KYPYHLMLQK

ClinVar aggregate classification (germline): Likely benign (1 of 4 stars; one submission).

Submission:

CeGaT Center for Human Genetics Tuebingen
Classification: Likely benign. Last evaluated: 2025-02-01. Review status: criteria provided, single submitter. Criteria: CeGaT Center For Human Genetics Tuebingen Variant Classification Criteria Version 2. Collection method: clinical testing. Allele origin: germline. Affected: yes. Observed: 1 variant allele.
Comment: HUWE1: PM2:Supporting, BP4, BP7